The following is an entry in ClinVar:

ClinVar aggregate classification (germline): Conflicting classifications of pathogenicity. Review status: criteria provided, conflicting classifications (1 of 4 stars). 7 submissions from 7 submitters: Likely pathogenic (2); Uncertain significance (5). Last evaluated 2026-02-27.

Conditions:
Primary dilated cardiomyopathy (DCM). Also called: Dilated Cardiomyopathy. Identifiers: Orphanet 217604, MedGen C0007193, MeSH D002311, MONDO:0005021, HP:0001644. Inheritance: Various modes of inheritance.
Long QT syndrome (LQTS). Identifiers: MedGen C0023976, MeSH D008133, MONDO:0002442. Disease mechanism: loss of function. Inheritance: Various modes of inheritance.
KCNE1-related disorder. Also called: KCNE1-related condition.
SUDDEN INFANT DEATH SYNDROME (SIDS). Also called: Sudden Infant Death. Identifiers: MedGen C0038644, MeSH D013398, OMIM 272120.
Cardiovascular phenotype. Identifiers: MedGen CN230736.

Allele frequency attached by ClinVar (database versions not stated): ExAC 0.00002; gnomAD 0.00003; gnomAD exomes 0.00003.

Submissions (8):

PreventionGenetics, part of Exact Sciences
Classification: Uncertain significance for KCNE1-related condition. Last evaluated: 2026-02-27. Review status: criteria provided, single submitter. Criteria: ACMG Guidelines, 2015. Collection method: clinical testing. Allele origin: germline.
Comment: The KCNE1 c.173C>T variant is predicted to result in the amino acid substitution p.Thr58Ile. This variant has been reported in an individual with sudden unexplained death in pediatrics (SUDP) (Koh et al. 2022. PubMed ID: 35027292). In vitro experimental studies suggest this variant affects protein function in the homozygous state and does not result in a dominant-negative effect in the heterozygous state (Vanoye et al. 2025. PubMed ID: 41200805). This variant is reported in 0.023% of alleles in individuals of Latino descent in gnomAD. An alternate missense at the same amino acid position, p.Thr58Pro, has been reported in individuals with long QT syndrome (LQTS) (Table S1, Muhammad et al. 2024. PubMed ID: 38816749). Although we suspect that this variant may be pathogenic, at this time, the clinical significance of this variant is uncertain due to the absence of conclusive functional and genetic evidence.

Labcorp Genetics (formerly Invitae), Labcorp
Classification: Uncertain significance for Long QT syndrome. Last evaluated: 2025-08-17. Review status: criteria provided, single submitter. Criteria: Invitae Variant Classification Sherloc (09022015). Collection method: clinical testing. Allele origin: germline.
Comment: This sequence change replaces threonine, which is neutral and polar, with isoleucine, which is neutral and non-polar, at codon 58 of the KCNE1 protein (p.Thr58Ile). This variant is present in population databases (rs747321794, gnomAD 0.02%). This missense change has been observed in individual(s) with clinical features of long QT syndrome (PMID: 30461122). ClinVar contains an entry for this variant (Variation ID: 372392). Invitae Evidence Modeling of protein sequence and biophysical properties (such as structural, functional, and spatial information, amino acid conservation, physicochemical variation, residue mobility, and thermodynamic stability) has been performed for this missense variant. However, the output from this modeling did not meet the statistical confidence thresholds required to predict the impact of this variant on KCNE1 protein function. In summary, the available evidence is currently insufficient to determine the role of this variant in disease. Therefore, it has been classified as a Variant of Uncertain Significance.

Ambry Genetics
Classification: Uncertain significance for Cardiovascular phenotype. Last evaluated: 2023-08-08. Review status: criteria provided, single submitter. Criteria: Ambry Variant Classification Scheme 2023. Collection method: clinical testing. Allele origin: germline.
Comment: The p.T58I variant (also known as c.173C>T), located in coding exon 1 of the KCNE1 gene, results from a C to T substitution at nucleotide position 173. The threonine at codon 58 is replaced by isoleucine, an amino acid with similar properties. This alteration has been reported in a long QT syndrome cohort and a sudden unexplained death cohort; however, clinical details were limited in both cases (Faridi R et al. Hum Mutat, 2019 Feb;40:162-176; Koh HY et al. Genet Med, 2022 Apr;24:839-850). This amino acid position is highly conserved in available vertebrate species. In addition, this alteration is predicted to be deleterious by in silico analysis. Since supporting evidence is limited at this time, the clinical significance of this alteration remains unclear.

Robert's Program, Boston Children's Hospital
Classification: Uncertain significance for SUDDEN INFANT DEATH SYNDROME. Last evaluated: 2021-10-01. Review status: criteria provided, single submitter. Criteria: ACMG Guidelines, 2015. Collection method: research. Allele origin: germline. Affected: yes.
Comment: We classify this variant as a variant of uncertain significance using ACMG/AMP criteria. As this variant has functional evidence supporting pathogenicty, we suspect this variant is favoring pathogenic.

ARUP Laboratories, Molecular Genetics and Genomics, ARUP Laboratories
Classification: Uncertain significance. Last evaluated: 2019-05-02. Review status: criteria provided, single submitter. Criteria: ARUP Molecular Germline Variant Investigation Process. Collection method: clinical testing. Allele origin: germline.
Comment: The KCNE1 c.173C>T; p.Thr58Ile variant (rs747321794) is reported in the literature in at least one individual affected with long QT syndrome (Faridi 2019). Additionally, another variant at this codon (c.172A>C; p.Thr58Pro) has been reported in individuals with long QT syndrome (Kapplinger 2009). The p.Thr58Ile variant is reported in ClinVar (Variation ID: 372392), and is found in the Latino population with an allele frequency of 0.023% (8/35,440 alleles) in the Genome Aggregation Database. The threonine at codon 58 is highly conserved, and computational analyses (SIFT: tolerated, PolyPhen-2: probably damaging) predict conflicting effects of this variant on protein structure/function. However, functional analyses of the KCNE1 protein show that threonine 58 is critical for specific control of the voltage-dependent potassium channel, and that the p.Thr58Ile variant results in voltage-independent activation in vitro (Melman 2002). Due to limited information, the clinical significance of the p.Thr58Ile variant is uncertain at this time. References: Faridi R et al. Mutational and phenotypic spectra of KCNE1 deficiency in Jervell and Lange-Nielsen Syndrome and Romano-Ward Syndrome. Hum Mutat. 2019 Feb;40(2):162-176. Kapplinger JD et al. Spectrum and prevalence of mutations from the first 2,500 consecutive unrelated patients referred for the FAMILION long QT syndrome genetic test. Heart Rhythm. 2009 Sep;6(9):1297-303. Melman YF et al. A single transmembrane site in the KCNE-encoded proteins controls the specificity of KvLQT1 channel gating. J Biol Chem. 2002 Jul 12;277(28):25187-94.

Center for Advanced Laboratory Medicine, UC San Diego Health, University of California San Diego
Classification: Likely pathogenic for Dilated cardiomyopathy. Last evaluated: 2017-08-29. Review status: criteria provided, single submitter. Criteria: ACMG Guidelines, 2015. Collection method: clinical testing. Allele origin: germline. Affected: yes. Observed: 1 variant allele.

GeneDx
Classification: Likely pathogenic. Last evaluated: 2016-08-16. Review status: criteria provided, single submitter. Criteria: GeneDx Variant Classification (06012015). Collection method: clinical testing. Allele origin: germline. Affected: yes.
Comment: The T58I variant that is likely pathogenic was identified in the KCNE1 gene. The T58I variant was not observed in approximately 6,500 individuals of European andAfrican American ancestry in the NHLBI Exome Sequencing Project, indicating it is not a commonbenign variant in these populations. The T58I variant is a non-conservative amino acid substitution,which is likely to impact secondary protein structure as these residues differ in polarity, charge, sizeand/or other properties, and this substitution occurs at a position that is conserved across species. Alikely pathogenic variant at the same residue (T58P) has been reported in the Human Gene MutationDatabase in association with LQTS (Stenson et al., 2014), supporting the functional importance ofthis residue. Furthermore, functional studies of the KCNE1 gene by Melman et al. (2002) concludedthat T58, the central amino acid of a triplet responsible for the specificity of KCNE1 control ofactivation of the potassium channel, is essential for the specific control of voltage-dependent channelactivation characteristics. However, in silico analysis is inconsistent in its predictions as to whether ornot the variant is damaging to the protein structure/function. Therefore, this variant is likely pathogenic.

Roden Lab, Vanderbilt University Medical Center
No classification provided (evidence only). Condition: Long QT syndrome 5. Review status: no classification provided. Collection method: in vitro. Allele origin: not applicable. Functional consequence: Effect on ion channel function. Not counted in ClinVar's aggregate classification.
ClinVar note: "not provided" was previously submitted as the classification for the variant. However, the classification appeared to be based only on an observation of functional data so it was converted to no classification on 2025-07-30.

Literature cited by the submitters: PubMed 30461122 (cited by Labcorp Genetics (formerly Invitae), Labcorp and Ambry Genetics); PubMed 35027292 (cited by Ambry Genetics).

NM_000219.6(KCNE1):c.173C>T (p.Thr58Ile)

Gene: KCNE1 (potassium voltage-gated channel subfamily E regulatory subunit 1; minus strand). Cytogenetic location: 21q22.12.
Variant type: single nucleotide variant.
Coding change: c.173C>T on transcript NM_000219.6 (MANE Select); coding-DNA position 173, C replaced by T.
Protein change: p.Thr58Ile; replaces threonine 58 with isoleucine.
Molecular consequence: missense variant.
Genome position (GRCh38, 1-based): chr21:34,449,462, G>A on the plus strand (C>T on the coding strand, the complement: KCNE1 is on the minus strand). VCF-style: chr21-34449462-G-A. GRCh37 (hg19) VCF-style: chr21-35821760-G-A.
Other names: c.173C>T, p.Thr58Ile (NM_001127668.4, NM_001127669.4, NM_001127670.4 and 4 more transcripts); short protein forms T58I.
Identifiers: ClinVar variation 372392 (VCV000372392.26), dbSNP rs747321794, ClinGen allele CA16043161.